The following is an entry in ClinVar:

ClinVar aggregate classification (germline): Uncertain significance (1 of 4 stars; one submission).

Conditions:
Autism, susceptibility to, 17. Also called: Autism susceptibility 17. Identifiers: MedGen C3150693, MONDO:0013265, OMIM 613436.

gnomAD v4.1: 7 of 718,484 alleles (0.00097%); highest among the groups gnomAD compares: East Asian, 0.0027%; no homozygotes.

Submission:

MVZ Martinsried, Medicover Genetics
Classification: Uncertain significance for Autism, susceptibility to, 17. Last evaluated: 2025-12-18. Review status: criteria provided, single submitter. Criteria: ClinGen Variant Curation SOP V3.2 + Classification Guidance July2025. Collection method: clinical testing. Allele origin: inherited. Affected: yes. Observed: 1 heterozygote.
Comment: PP3_Moderate, PM2_Supporting, PP2

NM_012309.5(SHANK2):c.1717G>A (p.Gly573Arg)

Gene: SHANK2 (SH3 and multiple ankyrin repeat domains 2; minus strand). Cytogenetic location: 11q13.4.
Variant type: single nucleotide variant.
Coding change: c.1717G>A on transcript NM_012309.5 (MANE Select); coding-DNA position 1717, G replaced by A.
Protein change: p.Gly573Arg; replaces glycine 573 with arginine.
Molecular consequence: missense variant.
Genome position (GRCh38, 1-based): chr11:70,798,503, C>T on the plus strand (G>A on the coding strand, the complement: SHANK2 is on the minus strand). VCF-style: chr11-70798503-C-T. GRCh37 (hg19) VCF-style: chr11-70644608-C-T.
Other names: c.580G>A, p.Gly194Arg (NM_001379226.1, NM_001441040.1, NM_001441041.1); c.1888G>A, p.Gly630Arg (NM_001441024.1); c.1717G>A, p.Gly573Arg (NM_001441025.1, NM_001441026.1, NM_001441027.1 and 11 more transcripts); c.1645G>A, p.Gly549Arg (NM_001441038.1); short protein forms G630R, G549R, G194R, G573R.
Identifiers: ClinVar variation 4795162 (VCV004795162.1).
Genomic context (GRCh38, chr11:70,798,503, plus strand): 5'-CTGCCTGGCTGTCCCTGGGCTTACACTGGACCTCCTCCACGCACTCCGCCGGAAACCATC[C>T]GATGTGGCCGCGGGCGCTGCCTTCCCAGAAGCCCCCTTCACCGATGCTCAGAACTAGAGA-3'
Protein context (NP_036441.2, residues 563-583): FWEGSARGHI[Gly573Arg]WFPAECVEEV